The following is an entry in ClinVar:

ClinVar aggregate classification (germline): Uncertain significance (1 of 4 stars; one submission).

Submission:

Labcorp Genetics (formerly Invitae), Labcorp
Classification: Uncertain significance. Last evaluated: 2020-11-16. Review status: criteria provided, single submitter. Criteria: Invitae Variant Classification Sherloc (09022015). Collection method: clinical testing. Allele origin: germline.
Comment: This sequence change replaces glycine with arginine at codon 781 of the BCL11B protein (p.Gly781Arg). The glycine residue is moderately conserved and there is a moderate physicochemical difference between glycine and arginine. In summary, the available evidence is currently insufficient to determine the role of this variant in disease. Therefore, it has been classified as a Variant of Uncertain Significance. Experimental studies and prediction algorithms are not available or were not evaluated, and the functional significance of this variant is currently unknown. This variant has not been reported in the literature in individuals with BCL11B-related conditions. The frequency data for this variant in the population databases is considered unreliable, as metrics indicate insufficient coverage at this position in the ExAC database.

NM_138576.4(BCL11B):c.2340_2341delinsTC (p.Gly781Arg)

Gene: BCL11B (BCL11 transcription factor B; minus strand). Cytogenetic location: 14q32.2.
Variant type: Indel.
Coding change: c.2340_2341delinsTC on transcript NM_138576.4 (MANE Select); coding-DNA positions 2340 to 2341, CG replaced by TC.
Protein change: p.Gly781Arg; replaces glycine 781 with arginine.
Molecular consequence: missense variant.
Genome position (GRCh38, 1-based): chr14:99,174,495-99,174,496, CG replaced by GA on the plus strand (CG replaced by TC on the coding strand, the reverse complement: BCL11B is on the minus strand). VCF-style: chr14-99174495-CG-GA. GRCh37 (hg19) VCF-style: chr14-99640832-CG-GA.
Other names: c.2337_2338delinsTC, p.Gly780Arg (NM_001282237.2); c.2124_2125delinsTC, p.Gly709Arg (NM_001282238.2); c.2127_2128delinsTC, p.Gly710Arg (NM_022898.3); short protein forms G780R, G709R, G781R, G710R.
Identifiers: ClinVar variation 1423766 (VCV001423766.6), dbSNP rs2139753451, ClinGen allele CA2573150453.